The following is an entry in ClinVar:

NM_001101426.4(CRPPA):c.*2325C>T

Gene: CRPPA (CDP-L-ribitol pyrophosphorylase A; minus strand). Cytogenetic location: 7p21.2.
Variant type: single nucleotide variant.
Coding change: c.*2325C>T on transcript NM_001101426.4 (MANE Select); 2325 bases downstream of the stop codon, C replaced by T.
Molecular consequence: 3 prime UTR variant. On other transcripts: non-coding transcript variant (1).
Genome position (GRCh38, 1-based): chr7:16,089,370, G>A on the plus strand (C>T on the coding strand, the complement: CRPPA is on the minus strand). VCF-style: chr7-16089370-G-A. GRCh37 (hg19) VCF-style: chr7-16128995-G-A.
Other names: c.*2325C>T (NM_001101417.4, NM_001368197.1).
Identifiers: ClinVar variation 911762 (VCV000911762.4), dbSNP rs201774908, ClinGen allele CA154724322.
Genomic context (GRCh38, chr7:16,089,370, plus strand): 5'-GTATGCGTACGTATATAAATATATGTGTGTATGCGTACGTATATACATACATACATGCAT[G>A]TACATATATACGTATATATGTATGTACATAATGTGTATATATGTACGTACATACATATAT-3'

ClinVar aggregate classification (germline): Benign (1 of 4 stars; one submission).

Conditions:
Congenital Muscular Dystrophy, alpha-dystroglycan related.

Allele frequency attached by ClinVar (database versions not stated): gnomAD 0.00001; gnomAD exomes 0.00002; 1000 Genomes Project 0.11082.

Submission:

Illumina Laboratory Services, Illumina
Classification: Benign for Congenital Muscular Dystrophy, alpha-dystroglycan related. Last evaluated: 2018-01-12. Review status: criteria provided, single submitter. Criteria: ICSL Variant Classification Criteria 13 December 2019. Collection method: clinical testing. Allele origin: germline.
Comment: This variant was observed in the ICSL laboratory as part of a predisposition screen in an ostensibly healthy population. It had not been previously curated by ICSL or reported in the Human Gene Mutation Database (HGMD: prior to June 1st, 2018), and was therefore a candidate for classification through an automated scoring system. Utilizing variant allele frequency, disease prevalence and penetrance estimates, and inheritance mode, an automated score was calculated to assess if this variant is too frequent to cause the disease. Based on the score and internal cut-off values, a variant classified as benign is not then subjected to further curation. The score for this variant resulted in a classification of benign for this disease.